The following is an entry in ClinVar:

ClinVar aggregate classification (germline): Benign/Likely benign. Review status: criteria provided, multiple submitters, no conflicts (2 of 4 stars). 7 submissions from 7 submitters: Benign (1); Likely benign (2). 4 of the submissions do not count toward it. Last evaluated 2026-08-01.

Conditions:
KDM6B-related disorder. Also called: KDM6B-related condition.
Intellectual disability. Also called: Intellectual developmental disorder; intellectual disabilities; Intellectual functioning disability. Identifiers: MedGen C3714756, MeSH D008607, MONDO:0001071, HP:0001249.

Submissions (7):

CeGaT Center for Human Genetics Tuebingen
Classification: Likely benign. Last evaluated: 2026-08-01. Review status: criteria provided, single submitter. Criteria: CeGaT Center For Human Genetics Tuebingen Variant Classification Criteria Version 2. Collection method: clinical testing. Allele origin: germline. Affected: yes. Observed: 3 variant alleles.
Comment: KDM6B: BS1

Blueprint Genetics
Classification: Likely benign. Last evaluated: 2024-11-18. Review status: criteria provided, single submitter. Criteria: ACMG Guidelines, 2015. Collection method: clinical testing. Allele origin: germline.

Labcorp Genetics (formerly Invitae), Labcorp
Classification: Benign. Last evaluated: 2019-12-31. Review status: criteria provided, single submitter. Criteria: Invitae Variant Classification Sherloc (09022015). Collection method: clinical testing. Allele origin: germline.

PreventionGenetics, part of Exact Sciences
Classification: Likely benign for KDM6B-related condition. Last evaluated: 2021-01-18. Review status: no assertion criteria provided. Collection method: clinical testing. Allele origin: germline. Not counted in ClinVar's aggregate classification.
Comment: This variant is classified as likely benign based on ACMG/AMP sequence variant interpretation guidelines (Richards et al. 2015 PMID: 25741868, with internal and published modifications).

Centre de Biologie Pathologie Génétique, Centre Hospitalier Universitaire de Lille
Classification: Likely benign for Intellectual disability. Last evaluated: 2019-01-01. Review status: no assertion criteria provided. Collection method: clinical testing. Allele origin: inherited. Affected: yes. Not counted in ClinVar's aggregate classification.

Diagnostic Laboratory, Department of Genetics, University Medical Center Groningen
Classification: Likely benign. Review status: no assertion criteria provided. Collection method: clinical testing. Allele origin: germline. Affected: yes. Study: VKGL Data-share Consensus. Not counted in ClinVar's aggregate classification.

Laboratory of Diagnostic Genome Analysis, Leiden University Medical Center (LUMC)
Classification: Likely benign. Review status: no assertion criteria provided. Collection method: clinical testing. Allele origin: germline. Affected: yes. Study: VKGL Data-share Consensus. Not counted in ClinVar's aggregate classification.

NM_001348716.2(KDM6B):c.2253CAC[8] (p.Thr760_Thr762del)

Gene: KDM6B (lysine demethylase 6B; plus strand). Cytogenetic location: 17p13.1.
Variant type: Microsatellite.
Coding change: c.2253CAC[8] on transcript NM_001348716.2 (MANE Select); eight copies in a row of the 3-base unit CAC starting at c.2253; the reference has 11 copies in a row; three copies, 9 bases deleted.
Protein change: p.Thr760_Thr762del.
Molecular consequence: inframe deletion.
Genome position (GRCh38, 1-based): chr17:7,848,565-7,848,573, CACCACCAC deleted; deleting any 9 consecutive bases within chr17:7,848,541-7,848,573 gives the same sequence; the position shown is the placement nearest the transcript's 3' end. VCF-style (leftmost placement, unchanged base first): chr17-7848540-TCACCACCAC-T. GRCh37 (hg19) VCF-style: chr17-7751858-TCACCACCAC-T.
Other names: c.2277_2285del9 (NM_001080424.1); c.2277_2285del (NM_001080424.1); c.2253CAC[8], p.Thr760_Thr762del (NM_001080424.2).
Identifiers: ClinVar variation 782898 (VCV000782898.17), dbSNP rs59627144, ClinGen allele CA8360847.